The following is an entry in ClinVar:

ClinVar aggregate classification (germline): Likely pathogenic (1 of 4 stars; one submission).

Conditions:
21-Hydroxylase-Deficient Congenital Adrenal Hyperplasia. Also called: ADRENAL HYPERPLASIA III; ADRENAL HYPERPLASIA, CONGENITAL, DUE TO 21-HYDROXYLASE DEFICIENCY. Identifiers: MedGen C2936858, OMIM 201910.

Submission:

Genomic Medicine Center of Excellence, King Faisal Specialist Hospital and Research Centre
Classification: Likely pathogenic for 21-Hydroxylase-Deficient Congenital Adrenal Hyperplasia. Last evaluated: 2024-12-10. Review status: criteria provided, single submitter. Criteria: ACMG Guidelines, 2015. Collection method: clinical testing. Allele origin: germline.
Comment: PVS1, PM2,

NM_000500.9(CYP21A2):c.710_719del (p.Ile237fs)

Genes: CYP21A2 (cytochrome P450 family 21 subfamily A member 2; plus strand), LOC106780800 (CYP21A2 recombination region; plus strand). Cytogenetic location: 6p21.33.
Variant type: Deletion.
Coding change: c.710_719del on transcript NM_000500.9 (MANE Select); coding-DNA positions 710 to 719, 10 bases deleted (TCGTGGAGAT; older notation c.710_719delTCGTGGAGAT).
Protein change: p.Ile237fs; shifts the reading frame from isoleucine 237.
Molecular consequence: frameshift variant.
Genome position (GRCh38, 1-based): chr6:32,039,807-32,039,816, TCGTGGAGAT deleted. VCF-style (leftmost placement, unchanged base first): chr6-32039806-ATCGTGGAGAT-A. GRCh37 (hg19) VCF-style: chr6-32007583-ATCGTGGAGAT-A.
Other names: c.620_629del, p.Ile207fs (NM_001128590.4); c.305_314del, p.Ile102fs (NM_001368143.2, NM_001368144.2); short protein forms I102fs, I207fs, I237fs.
Identifiers: ClinVar variation 3384203 (VCV003384203.1).